The following is an entry in ClinVar:

ClinVar aggregate classification (germline): Likely benign. Review status: criteria provided, multiple submitters, no conflicts (2 of 4 stars). 2 submissions from 2 submitters: Likely benign (2). Last evaluated 2026-03-25.

Conditions:
KIDINS220-related disorder. Also called: KIDINS220-related condition.

gnomAD v4.1: 5 of 1,613,256 alleles (0.00031%); highest among the groups gnomAD compares: African/African-American, 0.0013%; no homozygotes.

Submissions (2):

PreventionGenetics, part of Exact Sciences
Classification: Likely benign for KIDINS220-related condition. Last evaluated: 2026-03-25. Review status: criteria provided, single submitter. Criteria: ACMG Guidelines, 2015. Collection method: clinical testing. Allele origin: germline.
Comment: This variant is classified as likely benign based on ACMG/AMP sequence variant interpretation guidelines (Richards et al. 2015 PMID: 25741868, with internal and published modifications).

Blueprint Genetics
Classification: Likely benign. Last evaluated: 2023-02-17. Review status: criteria provided, single submitter. Criteria: ACMG Guidelines, 2015. Collection method: clinical testing. Allele origin: germline.

NM_020738.4(KIDINS220):c.861G>A (p.Ala287=)

Gene: KIDINS220 (kinase D interacting substrate 220; minus strand). Cytogenetic location: 2p25.1.
Variant type: single nucleotide variant.
Coding change: c.861G>A on transcript NM_020738.4 (MANE Select); coding-DNA position 861, G replaced by A.
Protein change: p.Ala287=; no amino-acid change (alanine 287 retained).
Molecular consequence: synonymous variant. On other transcripts: non-coding transcript variant (2).
Genome position (GRCh38, 1-based): chr2:8,800,439, C>T on the plus strand (G>A on the coding strand, the complement: KIDINS220 is on the minus strand). VCF-style: chr2-8800439-C-T. GRCh37 (hg19) VCF-style: chr2-8940569-C-T.
Other names: c.864G>A, p.Ala288= (NM_001348745.2, NM_001348729.2, NM_001348731.2 and 3 more transcripts); c.861G>A, p.Ala287= (NM_001348732.2, NM_001348735.2, NM_001348738.2 and 3 more transcripts); c.735G>A, p.Ala245= (NM_001348736.2); c.861G>A (NM_020738.2).
Identifiers: ClinVar variation 4952958 (VCV004952958.2).